The following is an entry in ClinVar:

ClinVar aggregate classification (germline): Uncertain significance (1 of 4 stars; one submission).

Conditions:
Lipoic acid synthetase deficiency. Also called: HYPERGLYCINEMIA, LACTIC ACIDOSIS, AND SEIZURES. Identifiers: Orphanet 401859, MedGen C3280887, MONDO:0013762, OMIM 614462.

Allele frequency attached by ClinVar (database versions not stated): ExAC 0.00001; gnomAD 0.00001; gnomAD exomes 0.00001 and 0.00003; TOPMed 0.00001.
gnomAD v4.1: 50 of 1,609,720 alleles (0.0031%); highest among the groups gnomAD compares: Non-Finnish European, 0.0042%; no homozygotes.

Submission:

Labcorp Genetics (formerly Invitae), Labcorp
Classification: Uncertain significance for Lipoic acid synthetase deficiency. Last evaluated: 2022-03-23. Review status: criteria provided, single submitter. Criteria: Invitae Variant Classification Sherloc (09022015). Collection method: clinical testing. Allele origin: germline.
Comment: This sequence change replaces glutamic acid, which is acidic and polar, with valine, which is neutral and non-polar, at codon 37 of the LIAS protein (p.Glu37Val). This variant is present in population databases (rs763606110, gnomAD 0.004%). This variant has not been reported in the literature in individuals affected with LIAS-related conditions. ClinVar contains an entry for this variant (Variation ID: 540085). Algorithms developed to predict the effect of missense changes on protein structure and function (SIFT, PolyPhen-2, Align-GVGD) all suggest that this variant is likely to be tolerated. Algorithms developed to predict the effect of sequence changes on RNA splicing suggest that this variant may create or strengthen a splice site. In summary, the available evidence is currently insufficient to determine the role of this variant in disease. Therefore, it has been classified as a Variant of Uncertain Significance.

NM_006859.4(LIAS):c.110A>T (p.Glu37Val)

Gene: LIAS (lipoic acid synthetase; plus strand). Cytogenetic location: 4p14.
Variant type: single nucleotide variant.
Coding change: c.110A>T on transcript NM_006859.4 (MANE Select); coding-DNA position 110, A replaced by T.
Protein change: p.Glu37Val; replaces glutamic acid 37 with valine.
Molecular consequence: missense variant.
Genome position (GRCh38, 1-based): chr4:39,460,854, A>T. VCF-style: chr4-39460854-A-T. GRCh37 (hg19) VCF-style: chr4-39462474-A-T.
Other names: c.110A>T, p.Glu37Val (NM_001278590.2, NM_001278591.2, NM_001278592.2 and 2 more transcripts); short protein forms E37V.
Identifiers: ClinVar variation 540085 (VCV000540085.6), dbSNP rs763606110, ClinGen allele CA2894583.